The following is an entry in ClinVar:

NM_017885.4(HCFC1R1):c.240C>T (p.Cys80=)

Gene: HCFC1R1 (host cell factor C1 regulator 1; minus strand). Cytogenetic location: 16p13.3.
Variant type: single nucleotide variant.
Coding change: c.240C>T on transcript NM_017885.4 (MANE Select); coding-DNA position 240, C replaced by T.
Protein change: p.Cys80=; no amino-acid change (cysteine 80 retained).
Molecular consequence: synonymous variant.
Genome position (GRCh38, 1-based): chr16:3,023,274, G>A on the plus strand (C>T on the coding strand, the complement: HCFC1R1 is on the minus strand). VCF-style: chr16-3023274-G-A. GRCh37 (hg19) VCF-style: chr16-3073275-G-A.
Other names: c.183C>T, p.Cys61= (NM_001002017.2, NM_001288666.1); c.240C>T, p.Cys80= (NM_001002018.2, NM_001288665.1); c.234C>T, p.Cys78= (NM_001288667.1); c.51C>T, p.Cys17= (NM_001288668.1); c.120C>T, p.Cys40= (NM_001308070.1).
Identifiers: ClinVar variation 5040233 (VCV005040233.1).

ClinVar aggregate classification (germline): Likely benign (1 of 4 stars; one submission).

Submission:

CeGaT Center for Human Genetics Tuebingen
Classification: Likely benign. Last evaluated: 2026-07-01. Review status: criteria provided, single submitter. Criteria: CeGaT Center For Human Genetics Tuebingen Variant Classification Criteria Version 2. Collection method: clinical testing. Allele origin: germline. Affected: yes. Observed: 1 variant allele.
Comment: HCFC1R1: PM2:Supporting, BP4, BP7